The following is an entry in ClinVar:

ClinVar aggregate classification (germline): Uncertain significance (1 of 4 stars; one submission).

Conditions:
Telangiectasia, hereditary hemorrhagic, type 5 (HHT5). Identifiers: Orphanet 774, MedGen C3809710, MONDO:0014217, OMIM 615506.

Submission:

Labcorp Genetics (formerly Invitae), Labcorp
Classification: Uncertain significance for Telangiectasia, hereditary hemorrhagic, type 5. Last evaluated: 2023-03-09. Review status: criteria provided, single submitter. Criteria: Invitae Variant Classification Sherloc (09022015). Collection method: clinical testing. Allele origin: germline.
Comment: In summary, the available evidence is currently insufficient to determine the role of this variant in disease. Therefore, it has been classified as a Variant of Uncertain Significance. Algorithms developed to predict the effect of missense changes on protein structure and function output the following: SIFT: "Not Available"; PolyPhen-2: "Benign"; Align-GVGD: "Not Available". The valine amino acid residue is found in multiple mammalian species, which suggests that this missense change does not adversely affect protein function. This variant has not been reported in the literature in individuals affected with GDF2-related conditions. This variant is not present in population databases (gnomAD no frequency). This sequence change replaces leucine, which is neutral and non-polar, with valine, which is neutral and non-polar, at codon 12 of the GDF2 protein (p.Leu12Val).

NM_016204.4(GDF2):c.34C>G (p.Leu12Val)

Gene: GDF2 (growth differentiation factor 2; plus strand). Cytogenetic location: 10q11.22.
Variant type: single nucleotide variant.
Coding change: c.34C>G on transcript NM_016204.4 (MANE Select); coding-DNA position 34, C replaced by G.
Protein change: p.Leu12Val; replaces leucine 12 with valine.
Molecular consequence: missense variant.
Genome position (GRCh38, 1-based): chr10:47,322,702, C>G. VCF-style: chr10-47322702-C-G. GRCh37 (hg19) VCF-style: chr10-48416660-G-C.
Other names: short protein forms L12V.
Identifiers: ClinVar variation 3023784 (VCV003023784.3), dbSNP rs61758973, ClinGen allele CA376651721.